The following is an entry in ClinVar:

ClinVar aggregate classification (germline): Uncertain significance (1 of 4 stars; one submission).

Conditions:
Cardiovascular phenotype. Identifiers: MedGen CN230736.

Submission:

Ambry Genetics
Classification: Uncertain significance for Cardiovascular phenotype. Last evaluated: 2024-10-07. Review status: criteria provided, single submitter. Criteria: Ambry Variant Classification Scheme 2023. Collection method: clinical testing. Allele origin: germline.
Comment: The p.L664P variant (also known as c.1991T>C), located in coding exon 12 of the LDB3 gene, results from a T to C substitution at nucleotide position 1991. The leucine at codon 664 is replaced by proline, an amino acid with similar properties. This amino acid position is conserved. In addition, this alteration is predicted to be deleterious by in silico analysis. Based on the available evidence, the clinical significance of this variant remains unclear.

NM_007078.3(LDB3):c.1991T>C (p.Leu664Pro)

Gene: LDB3 (LIM domain binding 3; plus strand). Cytogenetic location: 10q23.2.
Variant type: single nucleotide variant.
Coding change: c.1991T>C on transcript NM_007078.3 (MANE Select); coding-DNA position 1991, T replaced by C.
Protein change: p.Leu664Pro; replaces leucine 664 with proline.
Molecular consequence: missense variant.
Genome position (GRCh38, 1-based): chr10:86,726,149, T>C. VCF-style: chr10-86726149-T-C. GRCh37 (hg19) VCF-style: chr10-88485906-T-C.
Other names: c.1661T>C, p.Leu554Pro (NM_001080114.2); c.2006T>C, p.Leu669Pro (NM_001171610.2); c.1802T>C, p.Leu601Pro (NM_001368064.1, NM_001368065.1); c.1850T>C, p.Leu617Pro (NM_001368066.1); short protein forms L617P, L664P, L554P, L601P, L669P.
Identifiers: ClinVar variation 3537674 (VCV003537674.1).
Genomic context (GRCh38, chr10:86,726,149, plus strand): 5'-CCGCTGCCCCCACTGGGTGCGGGGTCTTCACTCTGCTTTTCATTTCAGACTACATCAATC[T>C]GTTCAGCACCAAGTGCCATGGCTGCGATTTCCCCGTGGAGGCTGGCGACAAGTTTATCGA-3'
Protein context (NP_009009.1, residues 654-674): EPYCEKDYIN[Leu664Pro]FSTKCHGCDF